The following is an entry in ClinVar:

NM_173477.5(USH1G):c.1373A>T (p.Asp458Val)

Gene: USH1G (USH1 protein network component sans; minus strand). Cytogenetic location: 17q25.1.
Variant type: single nucleotide variant.
Coding change: c.1373A>T on transcript NM_173477.5 (MANE Select); coding-DNA position 1373, A replaced by T.
Protein change: p.Asp458Val; replaces aspartic acid 458 with valine.
Molecular consequence: missense variant.
Genome position (GRCh38, 1-based): chr17:74,919,463, T>A on the plus strand (A>T on the coding strand, the complement: USH1G is on the minus strand). VCF-style: chr17-74919463-T-A. GRCh37 (hg19) VCF-style: chr17-72915558-T-A.
Other names: c.1064A>T, p.Asp355Val (NM_001282489.3); short protein forms D458V, D355V.
Identifiers: ClinVar variation 48127 (VCV000048127.18), dbSNP rs397517925, ClinGen allele CA262040.
Genomic context (GRCh38, chr17:74,919,463, plus strand): 5'-GGGCCTTCCAACTCCTGCTCCTCCATCCCCCCCGCCAGGCTGGACACTCACAGCTCTGTG[T>A]CCTCCAGGGCCGGCGGGCGCTCCATCGCCTGCCGCCGCCTCCTCACGGCCCCCAAGATCT-3'
Protein context (NP_775748.2, residues 448-461): QAMERPPALE[Asp458Val]TEL

ClinVar aggregate classification (germline): Pathogenic/Likely pathogenic. Review status: criteria provided, multiple submitters, no conflicts (2 of 4 stars). 5 submissions from 5 submitters: Pathogenic (3); Likely pathogenic (2). Last evaluated 2026-01-20.

Conditions:
Rare genetic deafness. Identifiers: Orphanet 96210, MedGen C5680250.
USH1G-related disorder. Also called: USH1G-related condition; USH1G-related disorders.
Usher syndrome type 1G. Also called: USHER SYNDROME, TYPE IG, MILD. Identifiers: Orphanet 231169, Orphanet 886, MedGen C1847089, MONDO:0011748, OMIM 606943.

Allele frequency attached by ClinVar (database versions not stated): gnomAD exomes below 0.00001; TOPMed below 0.00001; ExAC 0.00001; gnomAD 0.00001.

Submissions (5):

Labcorp Genetics (formerly Invitae), Labcorp
Classification: Pathogenic. Last evaluated: 2026-01-20. Review status: criteria provided, single submitter. Criteria: Invitae Variant Classification Sherloc (09022015). Collection method: clinical testing. Allele origin: germline.
Comment: This sequence change replaces aspartic acid, which is acidic and polar, with valine, which is neutral and non-polar, at codon 458 of the USH1G protein (p.Asp458Val). This variant is present in population databases (rs397517925, gnomAD 0.002%). This missense change has been observed in individual(s) with atypical Usher syndrome (PMID: 16283141, 28944237). It has also been observed to segregate with disease in related individuals. ClinVar contains an entry for this variant (Variation ID: 48127). Invitae Evidence Modeling of protein sequence and biophysical properties (such as structural, functional, and spatial information, amino acid conservation, physicochemical variation, residue mobility, and thermodynamic stability) indicates that this missense variant is expected to disrupt USH1G protein function with a positive predictive value of 80%. Experimental studies have shown that this missense change affects USH1G function (PMID: 20142502). For these reasons, this variant has been classified as Pathogenic.

Laboratory of Prof. Karen Avraham, Tel Aviv University
Classification: Pathogenic for Usher syndrome type 1G. Last evaluated: 2024-06-10. Review status: criteria provided, single submitter. Criteria: ACMG Guidelines, 2015. Collection method: research. Allele origin: germline. Affected: yes. Observed: 1 variant allele.
Comment: Pathogenic by Deafness Variation Database based on PMID: 16283141

USH1G; profound HL

Blueprint Genetics
Classification: Pathogenic for USH1G-related disorders. Last evaluated: 2021-05-25. Review status: criteria provided, single submitter. Criteria: ACMG Guidelines, 2015. Collection method: clinical testing. Allele origin: germline. Affected: yes. Observed: 1 variant allele.

Center of Genomic medicine, Geneva, University Hospital of Geneva
Classification: Likely pathogenic for Usher syndrome type 1G. Last evaluated: 2019-04-26. Review status: criteria provided, single submitter. Criteria: ACMG Guidelines, 2015. Collection method: clinical testing. Allele origin: inherited. Affected: yes. Observed: 1 variant allele.

Laboratory for Molecular Medicine, Mass General Brigham Personalized Medicine
Classification: Likely pathogenic for Rare genetic deafness. Last evaluated: 2011-10-03. Review status: criteria provided, single submitter. Criteria: LMM Criteria. Collection method: clinical testing. Allele origin: germline. Inheritance: Autosomal recessive inheritance. Observed: 3 variant alleles.
Comment: The Asp458Val variant in USH1G has been identified as a homozygous variant in tw o Turkish probands with moderate to severe and profound hearing loss and was als o detected in 1/498 Turkish control chromosomes (Kalay 2005). In addition, the v ariant was also homozygous in four affected relatives of these probands, and 18 unaffected relatives were either heterozygous for the variant or were wild-type. The affected individuals in these two families were not reported to have vestib ular dysfunction, and did not report visual problems; however funduscopy suggest ed mild retinitis pigmentosa. Electroretinograms were not performed in affected individuals (Kalay 2005). In summary, this variant is likely to be pathogenic, t hough additional studies are required to fully establish its clinical significan ce.

Literature cited by the submitters: PubMed 16283141 (cited by Labcorp Genetics (formerly Invitae), Labcorp and Laboratory for Molecular Medicine, Mass General Brigham Personalized Medicine); PubMed 28944237 (cited by Labcorp Genetics (formerly Invitae), Labcorp); PubMed 20142502 (cited by Labcorp Genetics (formerly Invitae), Labcorp).